The following is an entry in ClinVar:

NM_020919.4(ALS2):c.3046C>G (p.Pro1016Ala)

Gene: ALS2 (alsin Rho guanine nucleotide exchange factor ALS2; minus strand). Cytogenetic location: 2q33.1.
Variant type: single nucleotide variant.
Coding change: c.3046C>G on transcript NM_020919.4 (MANE Select); coding-DNA position 3046, C replaced by G.
Protein change: p.Pro1016Ala; replaces proline 1016 with alanine.
Molecular consequence: missense variant.
Genome position (GRCh38, 1-based): chr2:201,726,800, G>C on the plus strand (C>G on the coding strand, the complement: ALS2 is on the minus strand). VCF-style: chr2-201726800-G-C. GRCh37 (hg19) VCF-style: chr2-202591523-G-C.
Other names: short protein forms P1016A.
Identifiers: ClinVar variation 533749 (VCV000533749.19), dbSNP rs41308840, ClinGen allele CA2057993.

ClinVar aggregate classification (germline): Conflicting classifications of pathogenicity. Review status: criteria provided, conflicting classifications (1 of 4 stars). 5 submissions from 4 submitters: Uncertain significance (2); Likely benign (3). Last evaluated 2026-01-26.

Conditions:
Infantile-onset ascending hereditary spastic paralysis (IAHSP). Also called: Autosomal Recessive Juvenile Amyotrophic Lateral Sclerosis; Infantile-Onset Ascending Hereditary Spastic Paralysis (IAHSP). Identifiers: Orphanet 293168, MedGen C2931441, MONDO:0011797, OMIM 607225. Disease mechanism: loss of function.
Amyotrophic lateral sclerosis type 2, juvenile. Also called: ALS, JUVENILE; Amyotrophic lateral sclerosis type 2. Identifiers: Orphanet 300605, MedGen C1859807, MONDO:0008780, OMIM 205100.
ALS2-related disorder. Also called: ALS2-related condition; ALS2-related disorders; ALS2-Related Spectrum Disorders. Identifiers: MedGen CN169291.

Allele frequency attached by ClinVar (database versions not stated): TOPMed 0.00141; 1000 Genomes Project 0.00060; gnomAD 0.00099; 1000 Genomes Project 30x 0.00125; ESP Exome Variant Server 0.00140.
gnomAD v4.1: 509 of 1,614,136 alleles (0.032%); highest among the groups gnomAD compares: African/African-American, 0.36%; 2 homozygotes.

Submissions (5):

Labcorp Genetics (formerly Invitae), Labcorp
Classification: Likely benign for Infantile-onset ascending hereditary spastic paralysis. Last evaluated: 2026-01-26. Review status: criteria provided, single submitter. Criteria: Invitae Variant Classification Sherloc (09022015). Collection method: clinical testing. Allele origin: germline.

Athena Diagnostics
Classification: Likely benign. Last evaluated: 2024-10-01. Review status: criteria provided, single submitter. Criteria: Athena Diagnostics Criteria. Collection method: clinical testing. Allele origin: unknown.

GeneDx
Classification: Likely benign. Last evaluated: 2020-10-21. Review status: criteria provided, single submitter. Criteria: GeneDx Variant Classification Process June 2021. Collection method: clinical testing. Allele origin: germline. Affected: yes.

Illumina Laboratory Services, Illumina
Classification: Uncertain significance for ALS2-Related Disorders. Last evaluated: 2017-04-27. Review status: criteria provided, single submitter. Criteria: ICSL Variant Classification Criteria 13 December 2019. Collection method: clinical testing. Allele origin: germline.
Comment: This variant was observed as part of a predisposition screen in an ostensibly healthy population. A literature search was performed for the gene, cDNA change, and amino acid change (where applicable). Publications were found based on this search. However, the evidence from the literature, in combination with allele frequency data from public databases where available, was not sufficient to rule this variant in or out of causing disease. Therefore, this variant is classified as a variant of unknown significance.

Illumina Laboratory Services, Illumina
Classification: Uncertain significance for Amyotrophic lateral sclerosis type 2. Last evaluated: 2017-04-27. Review status: criteria provided, single submitter. Criteria: ICSL Variant Classification Criteria 13 December 2019. Collection method: clinical testing. Allele origin: germline.
Comment: the same text as in the submission from Illumina Laboratory Services, Illumina above.

Literature cited by the submitters: PubMed 18852346 (cited by Athena Diagnostics and Illumina Laboratory Services, Illumina); PubMed 37952009 (cited by Athena Diagnostics).